The following is an entry in ClinVar:

NM_001271938.2(MEGF8):c.4252C>T (p.Pro1418Ser)

Gene: MEGF8 (multiple EGF like domains 8; plus strand). Cytogenetic location: 19q13.2.
Variant type: single nucleotide variant.
Coding change: c.4252C>T on transcript NM_001271938.2 (MANE Select); coding-DNA position 4252, C replaced by T.
Protein change: p.Pro1418Ser; replaces proline 1418 with serine.
Molecular consequence: missense variant.
Genome position (GRCh38, 1-based): chr19:42,355,865, C>T. VCF-style: chr19-42355865-C-T. GRCh37 (hg19) VCF-style: chr19-42860017-C-T.
Other names: c.4051C>T, p.Pro1351Ser (NM_001410.3); short protein forms P1351S, P1418S.
Identifiers: ClinVar variation 4886107 (VCV004886107.2).

ClinVar aggregate classification (germline): Uncertain significance (1 of 4 stars; one submission).

Submission:

Dasa
Classification: Uncertain significance. Last evaluated: 2025-06-27. Review status: criteria provided, single submitter. Criteria: DASA Assertion Criteria. Collection method: clinical testing. Allele origin: germline.
Comment: NM_001271938.2(MEGF8):c.4252C>T (p.Pro1418Ser) is a missense variant that results in the substitution of proline with serine. This variant is absent from population databases. Computational prediction algorithms are consistent with a benign effect. The currently available literature and clinical evidence are not sufficient to establish a definitive association between this variant and the reported condition. Therefore, this variant is classified as a variant of uncertain significance.